The following is an entry in ClinVar:

NM_001130987.2(DYSF):c.959A>T (p.Asp320Val)

Gene: DYSF (dysferlin; plus strand). Cytogenetic location: 2p13.2.
Variant type: single nucleotide variant.
Coding change: c.959A>T on transcript NM_001130987.2 (MANE Select); coding-DNA position 959, A replaced by T.
Protein change: p.Asp320Val; replaces aspartic acid 320 with valine.
Molecular consequence: missense variant.
Genome position (GRCh38, 1-based): chr2:71,516,996, A>T. VCF-style: chr2-71516996-A-T. GRCh37 (hg19) VCF-style: chr2-71744126-A-T.
Other names: NM_001130987.2(DYSF):c.959A>T; p.Asp320Val; c.866A>T, p.Asp289Val (NM_001130455.2, NM_001130983.2, NM_001130984.2 and 1 more transcripts); c.863A>T, p.Asp288Val (NM_001130976.2, NM_001130977.2, NM_001130978.2 and 1 more transcripts); c.956A>T, p.Asp319Val (NM_001130979.2, NM_001130980.2, NM_001130981.2); c.959A>T, p.Asp320Val (NM_001130982.2, NM_001130985.2); short protein forms D288V, D320V, D289V, D319V.
Identifiers: ClinVar variation 555770 (VCV000555770.14), dbSNP rs1553522751, ClinGen allele CA347210094.

ClinVar aggregate classification (germline): Pathogenic. Review status: reviewed by expert panel (3 of 4 stars). 5 submissions from 5 submitters: Pathogenic (1). 4 of the submissions do not count toward it. Last evaluated 2025-10-29.

Conditions:
Autosomal recessive limb-girdle muscular dystrophy. Identifiers: Orphanet 102015, MedGen C2931907, MONDO:0015152.
Autosomal recessive limb-girdle muscular dystrophy type 2B (LGMDR2). Also called: MUSCULAR DYSTROPHY, LIMB-GIRDLE, AUTOSOMAL RECESSIVE 2; MUSCULAR DYSTROPHY, LIMB-GIRDLE, TYPE 3; Limb-girdle muscular dystrophy, type 2B; Limb-Girdle Muscular Dystrophy Type 2B (LGMD2B). Identifiers: Orphanet 268, MedGen C1850889, MONDO:0009676, OMIM 253601.
Miyoshi muscular dystrophy 1 (MMD1). Identifiers: Orphanet 45448, MedGen C4551973, MONDO:0024545, OMIM 254130.
Distal myopathy with anterior tibial onset. Identifiers: Orphanet 178400, MedGen C1847532, MONDO:0011721, OMIM 606768.
Neuromuscular disease caused by qualitative or quantitative defects of dysferlin. Also called: Dysferlinopathy; Qualitative or quantitative defects of dysferlin. Identifiers: Orphanet 207073, MedGen C2931687, MONDO:0016145.

Submissions (5):

ClinGen Limb Girdle Muscular Dystrophy Variant Curation Expert Panel, ClinGen
Classification: Pathogenic for Autosomal recessive limb-girdle muscular dystrophy. Last evaluated: 2025-10-29. Review status: reviewed by expert panel. Criteria: ClinGen LGMD VCEP ACMG Specifications DYSF V2.0.0. Collection method: curation. Allele origin: germline. Inheritance: Autosomal recessive inheritance.
Comment: The NM_003494.4: c.863A>T variant in DYSF, which is also known as NM_001130987.2: c.959A>T p.(Asp320Val), is a missense variant predicted to cause the substitution of valine for aspartic acid at codon 288. This variant has been reported in at least 11 individuals with features consistent with limb-girdle muscular dystrophy (PMID: 34559919, 28403181, 27647186, 25591676), including in a homozygous state in two individuals without reported consanguinity (0.5 pts x2 = 1.0 pt; PMID 28403181, 27647186), confirmed in trans with a pathogenic variant in one case (NM_003494.4: c.5077C>T p.(Arg1693Trp), 1.0 pt, PMID: 28403181), and in unconfirmed phase with a pathogenic variant in three unrelated individuals (NM_003494.4: c.3137G>A p.(Arg1046His), 0.5 pts, PMID: 25591676; NM_003494.4: c.5077C>T p.(Arg1693Trp), 0.5 pts, PMID: 27647186; NM_003494.4: c.1667T>C p.(Leu556Pro), 0.5 pts, PMID: 27647186) (PM3_Strong). At least one of the patients with this variant had a second presumed diagnostic DYSF variant, a clinical diagnosis of LGMD, and absent dysferlin protein expression in skeletal muscle, which is highly specific for DYSF-associated LGMD (PMID 27647186; PP4_Strong). This variant is absent from gnomAD v.4.1.0 (PM2_Supporting). The computational predictor REVEL gives a score of 0.971, which is above the LGMD VCEP threshold of 0.70, evidence that correlates with impact to DYSF function (PP3). In summary, this variant meets the criteria to be classified as Pathogenic for autosomal recessive limb girdle muscular dystrophy based on the ACMG/AMP criteria applied, as specified by the ClinGen LGMD VCEP (LGMD VCEP specifications version 2.0.0; 10/29/2025): PM3_Strong, PP4_Strong, PP3, PM2_Supporting.

Labcorp Genetics (formerly Invitae), Labcorp
Classification: Pathogenic for Neuromuscular disease caused by qualitative or quantitative defects of dysferlin. Last evaluated: 2023-10-22. Review status: criteria provided, single submitter. Criteria: Invitae Variant Classification Sherloc (09022015). Collection method: clinical testing. Allele origin: germline. Not counted in ClinVar's aggregate classification.
Comment: This sequence change replaces aspartic acid, which is acidic and polar, with valine, which is neutral and non-polar, at codon 288 of the DYSF protein (p.Asp288Val). This variant is not present in population databases (gnomAD no frequency). This missense change has been observed in individual(s) with clinical features of DYSF-related disease (PMID: 25591676, 27647186, 28403181, 30107846). In at least one individual the data is consistent with being in trans (on the opposite chromosome) from a pathogenic variant. ClinVar contains an entry for this variant (Variation ID: 555770). Advanced modeling of protein sequence and biophysical properties (such as structural, functional, and spatial information, amino acid conservation, physicochemical variation, residue mobility, and thermodynamic stability) performed at Invitae indicates that this missense variant is not expected to disrupt DYSF protein function. For these reasons, this variant has been classified as Pathogenic.

Baylor Genetics
Classification: Pathogenic for Miyoshi muscular dystrophy 1. Last evaluated: 2023-10-07. Review status: criteria provided, single submitter. Criteria: ACMG Guidelines, 2015. Collection method: clinical testing. Allele origin: unknown. Not counted in ClinVar's aggregate classification.

Juno Genomics, Hangzhou Juno Genomics, Inc
Classification: Pathogenic for Miyoshi muscular dystrophy 1; Autosomal recessive limb-girdle muscular dystrophy type 2B; Distal myopathy with anterior tibial onset. Review status: criteria provided, single submitter. Criteria: ACMG Guidelines, 2015. Collection method: clinical testing. Allele origin: germline. Affected: yes. Not counted in ClinVar's aggregate classification.
Comment: Absent from controls (or at extremely low frequency if recessive) in Genome Aggregation Database, Exome Sequencing Project, 1000 Genomes Project, or Exome Aggregation Consortium.;Multiple lines of computational evidence support a deleterious effect on the gene or gene product (conservation, evolutionary, splicing impact, etc).;For recessive disorders, detected in trans with a pathogenic variant.;Patient's phenotype or family history is highly specific for a disease with a single genetic etiology.

Counsyl
Classification: Likely pathogenic for Autosomal recessive limb-girdle muscular dystrophy type 2B. Last evaluated: 2017-12-20. Review status: no assertion criteria provided. Collection method: clinical testing. Allele origin: unknown. Not counted in ClinVar's aggregate classification.

Literature cited by the submitters: PubMed 25591676 (cited by Labcorp Genetics (formerly Invitae), Labcorp and Counsyl); PubMed 27647186 (cited by Labcorp Genetics (formerly Invitae), Labcorp and Counsyl); PubMed 28403181 (cited by Labcorp Genetics (formerly Invitae), Labcorp); PubMed 30107846 (cited by Labcorp Genetics (formerly Invitae), Labcorp).